The following is an entry in ClinVar:

NM_001286445.3(RIPOR2):c.3121A>G (p.Thr1041Ala)

Gene: RIPOR2 (RHO family interacting cell polarization regulator 2; minus strand). Cytogenetic location: 6p22.3.
Variant type: single nucleotide variant.
Coding change: c.3121A>G on transcript NM_001286445.3 (MANE Select); coding-DNA position 3121, A replaced by G.
Protein change: p.Thr1041Ala; replaces threonine 1041 with alanine.
Molecular consequence: missense variant.
Genome position (GRCh38, 1-based): chr6:24,806,396, T>C on the plus strand (A>G on the coding strand, the complement: RIPOR2 is on the minus strand). VCF-style: chr6-24806396-T-C. GRCh37 (hg19) VCF-style: chr6-24806624-T-C.
Other names: c.3034A>G, p.Thr1012Ala (NM_001346031.2, NM_001346032.2); c.3184A>G, p.Thr1062Ala (NM_014722.5); short protein forms T1012A, T1041A, T1062A.
Identifiers: ClinVar variation 3609148 (VCV003609148.2).
Genomic context (GRCh38, chr6:24,806,396, plus strand): 5'-CAGATATTAAGACAGCTGTTAGGCAGTTAACCTGTAATTAAAAGGCTGTGGCAACTTCAG[T>C]TCCATGACGACCTCCGACTTTAACACAGTCTCGAGGAAATTTGTCCAATTGTTCATATGC-3'
Protein context (NP_001273374.1, residues 1031-1047): DCVKVGGRHG[Thr1041Ala]EVATAF

ClinVar aggregate classification (germline): Uncertain significance (1 of 4 stars; one submission).

gnomAD v4.1: 2 of 1,551,366 alleles (0.00013%); highest among the groups gnomAD compares: Non-Finnish European, 0.00017%; no homozygotes.

Submission:

Labcorp Genetics (formerly Invitae), Labcorp
Classification: Uncertain significance. Last evaluated: 2024-06-02. Review status: criteria provided, single submitter. Criteria: Invitae Variant Classification Sherloc (09022015). Collection method: clinical testing. Allele origin: germline.
Comment: This sequence change replaces threonine, which is neutral and polar, with alanine, which is neutral and non-polar, at codon 1062 of the FAM65B protein (p.Thr1062Ala). This variant is not present in population databases (gnomAD no frequency). This variant has not been reported in the literature in individuals affected with FAM65B-related conditions. Algorithms developed to predict the effect of missense changes on protein structure and function output the following: SIFT: "Not Available"; PolyPhen-2: "Benign"; Align-GVGD: "Not Available". The alanine amino acid residue is found in multiple mammalian species, which suggests that this missense change does not adversely affect protein function. In summary, the available evidence is currently insufficient to determine the role of this variant in disease. Therefore, it has been classified as a Variant of Uncertain Significance.